The following is an entry in ClinVar:

NM_001164277.2(SLC37A4):c.297A>G (p.Thr99=)

Gene: SLC37A4 (solute carrier family 37 member 4; minus strand). Cytogenetic location: 11q23.3.
Variant type: single nucleotide variant.
Coding change: c.297A>G on transcript NM_001164277.2 (MANE Select); coding-DNA position 297, A replaced by G.
Protein change: p.Thr99=; no amino-acid change (threonine 99 retained).
Molecular consequence: synonymous variant.
Genome position (GRCh38, 1-based): chr11:119,028,278, T>C on the plus strand (A>G on the coding strand, the complement: SLC37A4 is on the minus strand). VCF-style: chr11-119028278-T-C. GRCh37 (hg19) VCF-style: chr11-118898988-T-C.
Other names: c.297A>G, p.Thr99= (NM_001164278.2, NM_001164280.2, NM_001467.6); c.78A>G, p.Thr26= (NM_001164279.2).
Identifiers: ClinVar variation 834670 (VCV000834670.5), dbSNP rs1273132953, ClinGen allele CA477126895.

ClinVar aggregate classification (germline): Uncertain significance. Review status: criteria provided, single submitter (1 of 4 stars). 2 submissions from 2 submitters: Uncertain significance (1). 1 of the submissions does not count toward it. Last evaluated 2025-11-27.

Conditions:
Glucose-6-phosphate transport defect (GSD1B). Also called: Glycogen Storage Disease Type Ib; GSD Ib. Identifiers: Orphanet 364, Orphanet 79259, MedGen C0268146, MONDO:0009288, OMIM 232220.

Allele frequency attached by ClinVar (database versions not stated): TOPMed below 0.00001; gnomAD 0.00001; gnomAD exomes 0.00001.

Submissions (2):

Labcorp Genetics (formerly Invitae), Labcorp
Classification: Uncertain significance for Glucose-6-phosphate transport defect. Last evaluated: 2025-11-27. Review status: criteria provided, single submitter. Criteria: Invitae Variant Classification Sherloc (09022015). Collection method: clinical testing. Allele origin: germline.
Comment: This sequence change affects codon 99 of the SLC37A4 mRNA. It is a 'silent' change, meaning that it does not change the encoded amino acid sequence of the SLC37A4 protein. This variant is not present in population databases (gnomAD no frequency). This variant has not been reported in the literature in individuals affected with SLC37A4-related conditions. ClinVar contains an entry for this variant (Variation ID: 834670). Algorithms developed to predict the effect of sequence changes on RNA splicing suggest that this variant may create or strengthen a splice site. In summary, the available evidence is currently insufficient to determine the role of this variant in disease. Therefore, it has been classified as a Variant of Uncertain Significance.

Natera, Inc.
Classification: Uncertain significance for Glycogen storage disease type Ib. Last evaluated: 2021-05-06. Review status: no assertion criteria provided. Collection method: clinical testing. Allele origin: germline. Not counted in ClinVar's aggregate classification.